The following is an entry in ClinVar:

NM_001253852.3(AP4B1):c.2150C>T (p.Thr717Met)

Genes: AP4B1 (adaptor related protein complex 4 subunit beta 1; minus strand), AP4B1-AS1 (AP4B1 antisense RNA 1; plus strand). Cytogenetic location: 1p13.2.
Variant type: single nucleotide variant.
Coding change: c.2150C>T on transcript NM_001253852.3 (MANE Select); coding-DNA position 2150, C replaced by T.
Protein change: p.Thr717Met; replaces threonine 717 with methionine.
Molecular consequence: missense variant.
Genome position (GRCh38, 1-based): chr1:113,895,135, G>A on the plus strand (C>T on the coding strand, the complement: AP4B1 is on the minus strand). VCF-style: chr1-113895135-G-A. GRCh37 (hg19) VCF-style: chr1-114437757-G-A.
Other names: c.1853C>T, p.Thr618Met (NM_001253853.3); c.1646C>T, p.Thr549Met (NM_001308312.2); c.2150C>T, p.Thr717Met (NM_006594.5); short protein forms T618M, T717M, T549M.
Identifiers: ClinVar variation 1481821 (VCV001481821.4), dbSNP rs199879996, ClinGen allele CA1015639.
Genomic context (GRCh38, chr1:113,895,135, plus strand): 5'-ATTTCTTCAATTGTTCCAATCACAGTTTCTAATACAGAAATAAAACTATTCAGCGTCTCC[G>A]TTCTTGCTTCATTTTGTTTCACAGAGATCTGCATTTCTGAGTTTCCAGGCTCCAATAGCA-3'
Protein context (NP_001240781.1, residues 707-727): QISVKQNEAR[Thr717Met]ETLNSFISVL

ClinVar aggregate classification (germline): Uncertain significance (1 of 4 stars; one submission).

Conditions:
Hereditary spastic paraplegia 47. Also called: adaptor protein 4 (AP-4) deficiency syndrome; CEREBRAL PALSY, SPASTIC QUADRIPLEGIC, 5; Spastic paraplegia 47, autosomal recessive. Identifiers: Orphanet 280763, MedGen C3279738, MONDO:0013551, OMIM 614066.

Allele frequency attached by ClinVar (database versions not stated): ExAC 0.00002; gnomAD 0.00003; gnomAD exomes 0.00003 and 0.00004; TOPMed 0.00005; 1000 Genomes Project 30x 0.00016; 1000 Genomes Project 0.00020.
gnomAD v4.1: 58 of 1,614,078 alleles (0.0036%); highest among the groups gnomAD compares: East Asian, 0.011%; no homozygotes.

Submission:

Labcorp Genetics (formerly Invitae), Labcorp
Classification: Uncertain significance for Hereditary spastic paraplegia 47. Last evaluated: 2022-06-06. Review status: criteria provided, single submitter. Criteria: Invitae Variant Classification Sherloc (09022015). Collection method: clinical testing. Allele origin: germline.
Comment: This sequence change replaces threonine, which is neutral and polar, with methionine, which is neutral and non-polar, at codon 717 of the AP4B1 protein (p.Thr717Met). This variant is present in population databases (rs199879996, gnomAD 0.01%). This variant has not been reported in the literature in individuals affected with AP4B1-related conditions. ClinVar contains an entry for this variant (Variation ID: 1481821). Algorithms developed to predict the effect of missense changes on protein structure and function output the following: SIFT: "Tolerated"; PolyPhen-2: "Benign"; Align-GVGD: "Class C0". The methionine amino acid residue is found in multiple mammalian species, which suggests that this missense change does not adversely affect protein function. In summary, the available evidence is currently insufficient to determine the role of this variant in disease. Therefore, it has been classified as a Variant of Uncertain Significance.